The following is an entry in ClinVar:

NM_006767.4(LZTR1):c.1971A>G (p.Ala657=)

Gene: LZTR1 (leucine zipper like post translational regulator 1; plus strand). Cytogenetic location: 22q11.21.
Variant type: single nucleotide variant.
Coding change: c.1971A>G on transcript NM_006767.4 (MANE Select); coding-DNA position 1971, A replaced by G.
Protein change: p.Ala657=; no amino-acid change (alanine 657 retained).
Molecular consequence: synonymous variant.
Genome position (GRCh38, 1-based): chr22:20,995,774, A>G. VCF-style: chr22-20995774-A-G. GRCh37 (hg19) VCF-style: chr22-21350063-A-G.
Identifiers: ClinVar variation 1638645 (VCV001638645.11), dbSNP rs764398850, ClinGen allele CA10119179.

ClinVar aggregate classification (germline): Likely benign. Review status: criteria provided, multiple submitters, no conflicts (2 of 4 stars). 4 submissions from 4 submitters: Likely benign (4). Last evaluated 2026-02-01.

Conditions:
Cardiovascular phenotype. Identifiers: MedGen CN230736.
Hereditary cancer-predisposing syndrome. Also called: Tumor predisposition; Neoplastic Syndromes, Hereditary; Hereditary Cancer Syndrome; Hereditary neoplastic syndrome. Identifiers: Orphanet 140162, MedGen C0027672, MeSH D009386, MONDO:0015356.

Allele frequency attached by ClinVar (database versions not stated): gnomAD 0.00001; gnomAD exomes 0.00002; ExAC 0.00004.
gnomAD v4.1: 33 of 1,613,512 alleles (0.002%); highest among the groups gnomAD compares: South Asian, 0.0033%; no homozygotes.

Submissions (4):

Labcorp Genetics (formerly Invitae), Labcorp
Classification: Likely benign. Last evaluated: 2026-02-01. Review status: criteria provided, single submitter. Criteria: Invitae Variant Classification Sherloc (09022015). Collection method: clinical testing. Allele origin: germline.

Blueprint Genetics
Classification: Likely benign. Last evaluated: 2023-12-22. Review status: criteria provided, single submitter. Criteria: ACMG Guidelines, 2015. Collection method: clinical testing. Allele origin: germline.

Women's Health and Genetics/Laboratory Corporation of America, LabCorp
Classification: Likely benign. Last evaluated: 2022-06-06. Review status: criteria provided, single submitter. Criteria: LabCorp Variant Classification Summary - May 2015. Collection method: clinical testing. Allele origin: germline.
Comment: Variant summary: LZTR1 c.1971A>G alters a conserved nucleotide resulting in a synonymous change. 4/4 computational tools predict no significant impact on normal splicing. However, these predictions have yet to be confirmed by functional studies. The variant allele was found at a frequency of 2e-05 in 251288 control chromosomes. The available data on variant occurrences in the general population are insufficient to allow any conclusion about variant significance. To our knowledge, no occurrence of c.1971A>G in individuals affected with Noonan Syndrome and no experimental evidence demonstrating its impact on protein function have been reported. No clinical diagnostic laboratories have submitted clinical-significance assessments for this variant to ClinVar after 2014. Based on the evidence outlined above, the variant was classified as likely benign.

Ambry Genetics
Classification: Likely benign for Cardiovascular phenotype; Hereditary cancer-predisposing syndrome. Last evaluated: 2020-10-13. Review status: criteria provided, single submitter. Criteria: Ambry Variant Classification Scheme 2023. Collection method: clinical testing. Allele origin: germline.